The following is an entry in ClinVar:

ClinVar aggregate classification (germline): Uncertain significance (1 of 4 stars; one submission).

Conditions:
Marfan syndrome (MFS). Also called: MARFAN SYNDROME, TYPE I; Marfan syndrome, classic; FBN1-Related Marfan Syndrome; Marfan syndrome type 1; Marfan's syndrome. Identifiers: Orphanet 284963, Orphanet 558, MedGen C0024796, MONDO:0007947, OMIM 154700.

Submission:

Women's Health and Genetics/Laboratory Corporation of America, LabCorp
Classification: Uncertain significance for Marfan Syndrome. Last evaluated: 2011-08-18. Review status: criteria provided, single submitter. Criteria: LabCorp Variant Classification Summary - May 2015. Collection method: curation. Allele origin: germline. Inheritance: autosomal unknown. Affected: yes.
ClinVar note: Converted during submission from uncertain to Uncertain significance.

NM_000138.5(FBN1):c.3589+11TTTTA[7]

Gene: FBN1 (fibrillin 1; minus strand). Cytogenetic location: 15q21.1.
Variant type: Microsatellite.
Coding change: c.3589+11TTTTA[7] on transcript NM_000138.5 (MANE Select); seven copies in a row of the 5-base unit TTTTA starting at c.3589+11; the reference has six copies in a row; one copy, 5 bases duplicated.
Molecular consequence: intron variant.
Genome position (GRCh38, 1-based): chr15:48,487,035-48,487,039, TAAAA duplicated on the plus strand (TTTTA on the coding strand, the reverse complement: FBN1 is on the minus strand); duplicating any 5 consecutive bases within chr15:48,487,035-48,487,064 gives the same sequence; the position shown is the placement nearest the transcript's 3' end. VCF-style (leftmost placement, unchanged base first): chr15-48487034-G-GTAAAA. GRCh37 (hg19) VCF-style: chr15-48779231-G-GTAAAA.
Other names: c.3589+36_3589+40dup (NM_000138.4).
Identifiers: ClinVar variation 36069 (VCV000036069.4), dbSNP rs72158035, ClinGen allele CA281797.